The following is an entry in ClinVar:

ClinVar aggregate classification (germline): Uncertain significance (1 of 4 stars; one submission).

gnomAD v4.1: 39 of 1,613,710 alleles (0.0024%); highest among the groups gnomAD compares: African/African-American, 0.0053%; no homozygotes.

Submission:

Labcorp Genetics (formerly Invitae), Labcorp
Classification: Uncertain significance. Last evaluated: 2022-02-05. Review status: criteria provided, single submitter. Criteria: Invitae Variant Classification Sherloc (09022015). Collection method: clinical testing. Allele origin: germline.
Comment: This sequence change replaces arginine, which is basic and polar, with histidine, which is basic and polar, at codon 1450 of the MYO5B protein (p.Arg1450His). This variant is present in population databases (no rsID available, gnomAD 0.003%). This variant has not been reported in the literature in individuals affected with MYO5B-related conditions. Algorithms developed to predict the effect of missense changes on protein structure and function output the following: SIFT: "Tolerated"; PolyPhen-2: "Benign"; Align-GVGD: "Class C0". The histidine amino acid residue is found in multiple mammalian species, which suggests that this missense change does not adversely affect protein function. In summary, the available evidence is currently insufficient to determine the role of this variant in disease. Therefore, it has been classified as a Variant of Uncertain Significance.

NM_001080467.3(MYO5B):c.4349G>A (p.Arg1450His)

Genes: MYO5B (myosin VB; minus strand), SNHG22 (small nucleolar RNA host gene 22; plus strand). Cytogenetic location: 18q21.1.
Variant type: single nucleotide variant.
Coding change: c.4349G>A on transcript NM_001080467.3 (MANE Select); coding-DNA position 4349, G replaced by A.
Protein change: p.Arg1450His; replaces arginine 1450 with histidine.
Molecular consequence: missense variant.
Genome position (GRCh38, 1-based): chr18:49,847,256, C>T on the plus strand (G>A on the coding strand, the complement: MYO5B is on the minus strand). VCF-style: chr18-49847256-C-T. GRCh37 (hg19) VCF-style: chr18-47373626-C-T.
Other names: short protein forms R1450H.
Identifiers: ClinVar variation 1499667 (VCV001499667.3), dbSNP rs779091130, ClinGen allele CA402426134.